The following is an entry in ClinVar:

ClinVar aggregate classification (germline): Uncertain significance (1 of 4 stars; one submission).

Allele frequency attached by ClinVar (database versions not stated): gnomAD exomes 0.00001; gnomAD 0.00003; TOPMed 0.00004.

Submission:

Labcorp Genetics (formerly Invitae), Labcorp
Classification: Uncertain significance. Last evaluated: 2022-05-07. Review status: criteria provided, single submitter. Criteria: Invitae Variant Classification Sherloc (09022015). Collection method: clinical testing. Allele origin: germline.
Comment: This sequence change replaces tryptophan, which is neutral and slightly polar, with cysteine, which is neutral and slightly polar, at codon 296 of the PYROXD1 protein (p.Trp296Cys). This variant is present in population databases (no rsID available, gnomAD 0.002%). In summary, the available evidence is currently insufficient to determine the role of this variant in disease. Therefore, it has been classified as a Variant of Uncertain Significance. Algorithms developed to predict the effect of missense changes on protein structure and function are either unavailable or do not agree on the potential impact of this missense change (SIFT: "Tolerated"; PolyPhen-2: "Possibly Damaging"; Align-GVGD: "Class C0"). This variant has not been reported in the literature in individuals affected with PYROXD1-related conditions.

NM_024854.5(PYROXD1):c.888G>C (p.Trp296Cys)

Gene: PYROXD1 (pyridine nucleotide-disulphide oxidoreductase domain 1; plus strand). Cytogenetic location: 12p12.1.
Variant type: single nucleotide variant.
Coding change: c.888G>C on transcript NM_024854.5 (MANE Select); coding-DNA position 888, G replaced by C.
Protein change: p.Trp296Cys; replaces tryptophan 296 with cysteine.
Molecular consequence: missense variant.
Genome position (GRCh38, 1-based): chr12:21,462,015, G>C. VCF-style: chr12-21462015-G-C. GRCh37 (hg19) VCF-style: chr12-21614949-G-C.
Other names: c.675G>C, p.Trp225Cys (NM_001350912.2); c.111G>C, p.Trp37Cys (NM_001350913.2); short protein forms W225C, W37C, W296C.
Identifiers: ClinVar variation 1900587 (VCV001900587.4), dbSNP rs1255083469, ClinGen allele CA384109945.